The following is an entry in ClinVar:

NM_018238.4(AGK):c.621C>T (p.Thr207=)

Gene: AGK (acylglycerol kinase; plus strand). Cytogenetic location: 7q34.
Variant type: single nucleotide variant.
Coding change: c.621C>T on transcript NM_018238.4 (MANE Select); coding-DNA position 621, C replaced by T.
Protein change: p.Thr207=; no amino-acid change (threonine 207 retained).
Molecular consequence: synonymous variant.
Genome position (GRCh38, 1-based): chr7:141,633,933, C>T. VCF-style: chr7-141633933-C-T. GRCh37 (hg19) VCF-style: chr7-141333733-C-T.
Other names: c.621C>T, p.Thr207= (NM_001364948.3).
Identifiers: ClinVar variation 514265 (VCV000514265.12), dbSNP rs140431258, ClinGen allele CA4517518.
Genomic context (GRCh38, chr7:141,633,933, plus strand): 5'-ATTTAAATGAAATGTATTTAACTTCCAGGGTGAAAAGGAACAGCCTGTATTTGCAATGAC[C>T]GGCCTTCGATGGGGATCTTTCAGAGATGCTGGCGTCAAAGTTAGCAAGTAAAGGATTACT-3'
Protein context (NP_060708.1, residues 197-217): GEKEQPVFAM[Thr207=]GLRWGSFRDA

ClinVar aggregate classification (germline): Likely benign. Review status: criteria provided, multiple submitters, no conflicts (2 of 4 stars). 4 submissions from 4 submitters: Likely benign (3). 1 of the submissions does not count toward it. Last evaluated 2025-08-12.

Conditions:
Sengers syndrome. Also called: MITOCHONDRIAL DNA DEPLETION SYNDROME 10 (CARDIOMYOPATHIC TYPE); Cardiomyopathy and cataract. Identifiers: Orphanet 1369, MedGen C1859317, MONDO:0008922, OMIM 212350.
Cataract 38. Also called: Cataract 38, autosomal recessive; Cataract, autosomal recessive congenital 5. Identifiers: Orphanet 91492, MedGen C3553494, MONDO:0013859, OMIM 614691.
AGK-related disorder. Also called: AGK-related condition; AGK-related disorders. Identifiers: MedGen CN239194.

Allele frequency attached by ClinVar (database versions not stated): gnomAD 0.00005 and 0.00008; TOPMed 0.00011; 1000 Genomes Project 0.00040; 1000 Genomes Project 30x 0.00047.
gnomAD v4.1: 137 of 1,613,924 alleles (0.0085%); highest among the groups gnomAD compares: East Asian, 0.28%; no homozygotes.

Submissions (4):

Labcorp Genetics (formerly Invitae), Labcorp
Classification: Likely benign for Sengers syndrome; Cataract 38. Last evaluated: 2025-08-12. Review status: criteria provided, single submitter. Criteria: Invitae Variant Classification Sherloc (09022015). Collection method: clinical testing. Allele origin: germline.

Blueprint Genetics
Classification: Likely benign. Last evaluated: 2024-11-22. Review status: criteria provided, single submitter. Criteria: ACMG Guidelines, 2015. Collection method: clinical testing. Allele origin: germline.

GeneDx
Classification: Likely benign. Last evaluated: 2018-01-04. Review status: criteria provided, single submitter. Criteria: GeneDx Variant Classification (06012015). Collection method: clinical testing. Allele origin: germline. Affected: yes.
Comment: This variant is considered likely benign or benign based on one or more of the following criteria: it is a conservative change, it occurs at a poorly conserved position in the protein, it is predicted to be benign by multiple in silico algorithms, and/or has population frequency not consistent with disease.

PreventionGenetics, part of Exact Sciences
Classification: Likely benign for AGK-related condition. Last evaluated: 2021-05-19. Review status: no assertion criteria provided. Collection method: clinical testing. Allele origin: germline. Not counted in ClinVar's aggregate classification.
Comment: This variant is classified as likely benign based on ACMG/AMP sequence variant interpretation guidelines (Richards et al. 2015 PMID: 25741868, with internal and published modifications).